The following is an entry in ClinVar:

NM_006904.7(PRKDC):c.4058C>T (p.Pro1353Leu)

Gene: PRKDC (protein kinase, DNA-activated, catalytic subunit; minus strand). Cytogenetic location: 8q11.21.
Variant type: single nucleotide variant.
Coding change: c.4058C>T on transcript NM_006904.7 (MANE Select); coding-DNA position 4058, C replaced by T.
Protein change: p.Pro1353Leu; replaces proline 1353 with leucine.
Molecular consequence: missense variant.
Genome position (GRCh38, 1-based): chr8:47,890,270, G>A on the plus strand (C>T on the coding strand, the complement: PRKDC is on the minus strand). VCF-style: chr8-47890270-G-A. GRCh37 (hg19) VCF-style: chr8-48802831-G-A.
Other names: c.4058C>T, p.Pro1353Leu (NM_001081640.2); short protein forms P1353L.
Identifiers: ClinVar variation 1989049 (VCV001989049.2), dbSNP rs767489623, ClinGen allele CA4741031.

ClinVar aggregate classification (germline): Uncertain significance (1 of 4 stars; one submission).

Conditions:
Severe combined immunodeficiency due to DNA-PKcs deficiency. Also called: IMMUNODEFICIENCY 26 WITH NEUROLOGIC ABNORMALITIES; Immunodeficiency 26 with or without neurologic abnormalities. Identifiers: Orphanet 317425, MedGen C4014833, MONDO:0014423, OMIM 615966.

Allele frequency attached by ClinVar (database versions not stated): TOPMed 0.00001; ExAC 0.00004; gnomAD exomes 0.00001.
gnomAD v4.1: 16 of 1,610,184 alleles (0.00099%); highest among the groups gnomAD compares: South Asian, 0.0066%; no homozygotes.

Submission:

Labcorp Genetics (formerly Invitae), Labcorp
Classification: Uncertain significance for Severe combined immunodeficiency due to DNA-PKcs deficiency. Last evaluated: 2024-05-30. Review status: criteria provided, single submitter. Criteria: Invitae Variant Classification Sherloc (09022015). Collection method: clinical testing. Allele origin: germline.
Comment: This sequence change replaces proline, which is neutral and non-polar, with leucine, which is neutral and non-polar, at codon 1353 of the PRKDC protein (p.Pro1353Leu). This variant is present in population databases (rs767489623, gnomAD 0.01%). This variant has not been reported in the literature in individuals affected with PRKDC-related conditions. ClinVar contains an entry for this variant (Variation ID: 1989049). Advanced modeling of protein sequence and biophysical properties (such as structural, functional, and spatial information, amino acid conservation, physicochemical variation, residue mobility, and thermodynamic stability) performed at Invitae indicates that this missense variant is not expected to disrupt PRKDC protein function with a negative predictive value of 80%. In summary, the available evidence is currently insufficient to determine the role of this variant in disease. Therefore, it has been classified as a Variant of Uncertain Significance.